The following is an entry in ClinVar:

ClinVar aggregate classification (germline): Uncertain significance (1 of 4 stars; one submission).

Submission:

Labcorp Genetics (formerly Invitae), Labcorp
Classification: Uncertain significance. Last evaluated: 2022-05-07. Review status: criteria provided, single submitter. Criteria: Invitae Variant Classification Sherloc (09022015). Collection method: clinical testing. Allele origin: germline.
Comment: In summary, the available evidence is currently insufficient to determine the role of this variant in disease. Therefore, it has been classified as a Variant of Uncertain Significance. Algorithms developed to predict the effect of missense changes on protein structure and function are either unavailable or do not agree on the potential impact of this missense change (SIFT: "Deleterious"; PolyPhen-2: "Possibly Damaging"; Align-GVGD: "Class C15"). This variant has not been reported in the literature in individuals affected with FKBP10-related conditions. This variant is not present in population databases (gnomAD no frequency). This sequence change replaces glutamic acid, which is acidic and polar, with lysine, which is basic and polar, at codon 351 of the FKBP10 protein (p.Glu351Lys).

NM_021939.4(FKBP10):c.1051G>A (p.Glu351Lys)

Gene: FKBP10 (FKBP prolyl isomerase 10; plus strand). Cytogenetic location: 17q21.2.
Variant type: single nucleotide variant.
Coding change: c.1051G>A on transcript NM_021939.4 (MANE Select); coding-DNA position 1051, G replaced by A.
Protein change: p.Glu351Lys; replaces glutamic acid 351 with lysine.
Molecular consequence: missense variant.
Genome position (GRCh38, 1-based): chr17:41,819,663, G>A. VCF-style: chr17-41819663-G-A. GRCh37 (hg19) VCF-style: chr17-39975915-G-A.
Other names: short protein forms E351K.
Identifiers: ClinVar variation 1903015 (VCV001903015.5), dbSNP rs1555616691, ClinGen allele CA399516938.